The following is an entry in ClinVar:

NM_000303.3(PMM2):c.*997A>G

Gene: PMM2 (phosphomannomutase 2; plus strand). Cytogenetic location: 16p13.2.
Variant type: single nucleotide variant.
Coding change: c.*997A>G on transcript NM_000303.3 (MANE Select); 997 bases downstream of the stop codon, A replaced by G.
Molecular consequence: 3 prime UTR variant.
Genome position (GRCh38, 1-based): chr16:8,848,822, A>G. VCF-style: chr16-8848822-A-G. GRCh37 (hg19) VCF-style: chr16-8942679-A-G.
Identifiers: ClinVar variation 321255 (VCV000321255.6), dbSNP rs1056898, ClinGen allele CA10649256.

ClinVar aggregate classification (germline): Benign. Review status: criteria provided, multiple submitters, no conflicts (2 of 4 stars). 2 submissions from 2 submitters: Benign (2). Last evaluated 2018-01-12.

Conditions:
PMM2-congenital disorder of glycosylation. Also called: CDG Ia; JAEKEN SYNDROME; PHOSPHOMANNOMUTASE 2 DEFICIENCY; Congenital disorder of glycosylation, type Ia; CARBOHYDRATE-DEFICIENT GLYCOPROTEIN SYNDROME, TYPE Ia; PMM2-CDG. Identifiers: Orphanet 79318, MedGen C0349653, MONDO:0008907, OMIM 212065.

Allele frequency attached by ClinVar (database versions not stated): gnomAD exomes 0.25000; TOPMed 0.27446; gnomAD 0.28325 and 0.28401; 1000 Genomes Project 30x 0.28732; 1000 Genomes Project 0.29054.
gnomAD v4.1: 43,127 of 152,138 alleles (28%); highest among the groups gnomAD compares: South Asian, 34%; 6,258 homozygotes.

Submissions (2):

Illumina Laboratory Services, Illumina
Classification: Benign for PMM2-congenital disorder of glycosylation. Last evaluated: 2018-01-12. Review status: criteria provided, single submitter. Criteria: ICSL Variant Classification Criteria 13 December 2019. Collection method: clinical testing. Allele origin: germline.
Comment: This variant was observed in the ICSL laboratory as part of a predisposition screen in an ostensibly healthy population. It had not been previously curated by ICSL or reported in the Human Gene Mutation Database (HGMD: prior to June 1st, 2018), and was therefore a candidate for classification through an automated scoring system. Utilizing variant allele frequency, disease prevalence and penetrance estimates, and inheritance mode, an automated score was calculated to assess if this variant is too frequent to cause the disease. Based on the score and internal cut-off values, a variant classified as benign is not then subjected to further curation. The score for this variant resulted in a classification of benign for this disease.

Breakthrough Genomics
Classification: Benign. Review status: criteria provided, single submitter. Criteria: ACMG Guidelines, 2015. Collection method: not provided. Allele origin: germline. Inheritance: Autosomal recessive inheritance. Affected: yes.